The following is an entry in ClinVar:

ClinVar aggregate classification (germline): Uncertain significance (1 of 4 stars; one submission).

Conditions:
Developmental and epileptic encephalopathy, 31A. Also called: Developmental and epileptic encephalopathy, 31; Epileptic encephalopathy, early infantile, 31. Identifiers: Orphanet 2382, MedGen C4225357, MONDO:0014598, OMIM 616346.

Allele frequency attached by ClinVar (database versions not stated): gnomAD exomes below 0.00001; gnomAD 0.00001.
gnomAD v4.1: 2 of 1,613,976 alleles (0.00012%); highest among the groups gnomAD compares: Non-Finnish European, 0.00017%; no homozygotes.

Submission:

Labcorp Genetics (formerly Invitae), Labcorp
Classification: Uncertain significance for Developmental and epileptic encephalopathy, 31A. Last evaluated: 2023-10-03. Review status: criteria provided, single submitter. Criteria: Invitae Variant Classification Sherloc (09022015). Collection method: clinical testing. Allele origin: germline.
Comment: This sequence change replaces valine, which is neutral and non-polar, with isoleucine, which is neutral and non-polar, at codon 70 of the DNM1 protein (p.Val70Ile). This variant is present in population databases (no rsID available, gnomAD 0.0009%). This variant has not been reported in the literature in individuals affected with DNM1-related conditions. Advanced modeling of protein sequence and biophysical properties (such as structural, functional, and spatial information, amino acid conservation, physicochemical variation, residue mobility, and thermodynamic stability) has been performed at Invitae for this missense variant, however the output from this modeling did not meet the statistical confidence thresholds required to predict the impact of this variant on DNM1 protein function. In summary, the available evidence is currently insufficient to determine the role of this variant in disease. Therefore, it has been classified as a Variant of Uncertain Significance.

NM_004408.4(DNM1):c.208G>A (p.Val70Ile)

Genes: DNM1 (dynamin 1; plus strand), LOC113839516 (Sharpr-MPRA regulatory region 8497; plus strand). Cytogenetic location: 9q34.11.
Variant type: single nucleotide variant.
Coding change: c.208G>A on transcript NM_004408.4 (MANE Select); coding-DNA position 208, G replaced by A.
Protein change: p.Val70Ile; replaces valine 70 with isoleucine.
Molecular consequence: missense variant.
Genome position (GRCh38, 1-based): chr9:128,218,277, G>A. VCF-style: chr9-128218277-G-A. GRCh37 (hg19) VCF-style: chr9-130980556-G-A.
Other names: c.208G>A, p.Val70Ile (NM_001005336.3, NM_001288737.2, NM_001288738.2 and 2 more transcripts); short protein forms V70I.
Identifiers: ClinVar variation 2713346 (VCV002713346.3), dbSNP rs1166353872, ClinGen allele CA375010235.